The following is an entry in ClinVar:

ClinVar aggregate classification (germline): Conflicting classifications of pathogenicity. Review status: criteria provided, conflicting classifications (1 of 4 stars). 2 submissions from 2 submitters: Likely pathogenic (1); Uncertain significance (1). Last evaluated 2025-07-28.

Conditions:
Lysosomal acid lipase deficiency. Also called: Acid cholesteryl ester hydrolase deficiency, type 2. Identifiers: Orphanet 275761, MedGen C5574740, MONDO:0800449, MONDO:0010204.
Wolman disease (WOLD). Also called: Acid cholesteryl ester hydrolase deficiency, Wolman type; Acid lipase disease; Wolman disease, CESD; LYSOSOMAL ACID LIPASE DEFICIENCY, ACUTE INFANTILE; LYSOSOMAL ACID LIPASE DEFICIENCY, COMPLETE; LIPA DEFICIENCY, COMPLETE. Identifiers: Orphanet 75233, MedGen C0043208, MONDO:0019148, OMIM 620151.

Allele frequency attached by ClinVar (database versions not stated): gnomAD 0.00001; gnomAD exomes 0.00002 and 0.00001; ExAC 0.00002.
gnomAD v4.1: 15 of 1,614,084 alleles (0.00093%); highest among the groups gnomAD compares: South Asian, 0.016%; no homozygotes.

Submissions (2):

Labcorp Genetics (formerly Invitae), Labcorp
Classification: Uncertain significance for Wolman disease. Last evaluated: 2025-07-28. Review status: criteria provided, single submitter. Criteria: Invitae Variant Classification Sherloc (09022015). Collection method: clinical testing. Allele origin: germline.
Comment: This sequence change replaces asparagine, which is neutral and polar, with aspartic acid, which is acidic and polar, at codon 123 of the LIPA protein (p.Asn123Asp). This variant is present in population databases (rs771904218, gnomAD 0.02%). This variant has not been reported in the literature in individuals affected with LIPA-related conditions. ClinVar contains an entry for this variant (Variation ID: 695058). Invitae Evidence Modeling of protein sequence and biophysical properties (such as structural, functional, and spatial information, amino acid conservation, physicochemical variation, residue mobility, and thermodynamic stability) indicates that this missense variant is expected to disrupt LIPA protein function with a positive predictive value of 95%. Experimental studies have shown that this missense change affects LIPA function (PMID: 31180157). In summary, the available evidence is currently insufficient to determine the role of this variant in disease. Therefore, it has been classified as a Variant of Uncertain Significance.

Alexion, Astrazeneca Rare Disease, Astrazeneca
Classification: Likely pathogenic for Lysosomal acid lipase deficiency. Last evaluated: 2019-06-01. Review status: criteria provided, single submitter. Criteria: ACMG Guidelines, 2015. Collection method: research. Allele origin: germline.
Comment: ACMG PS3 criterion ascertained by in-vitro functional study, PMID:31180157

Literature cited by the submitters: PubMed 31180157 (cited by Labcorp Genetics (formerly Invitae), Labcorp and Alexion, Astrazeneca Rare Disease, Astrazeneca).

NM_000235.4(LIPA):c.367A>G (p.Asn123Asp)

Gene: LIPA (lipase A, lysosomal acid type; minus strand). Cytogenetic location: 10q23.31.
Variant type: single nucleotide variant.
Coding change: c.367A>G on transcript NM_000235.4 (MANE Select); coding-DNA position 367, A replaced by G.
Protein change: p.Asn123Asp; replaces asparagine 123 with aspartic acid.
Molecular consequence: missense variant.
Genome position (GRCh38, 1-based): chr10:89,228,261, T>C on the plus strand (A>G on the coding strand, the complement: LIPA is on the minus strand). VCF-style: chr10-89228261-T-C. GRCh37 (hg19) VCF-style: chr10-90988018-T-C.
Other names: c.367A>G, p.Asn123Asp (NM_001127605.3); c.19A>G, p.Asn7Asp (NM_001288979.2); short protein forms N7D, N123D.
Identifiers: ClinVar variation 695058 (VCV000695058.8), dbSNP rs771904218, ClinGen allele CA5593757.